The following is an entry in ClinVar:

ClinVar aggregate classification (germline): Uncertain significance. Review status: criteria provided, multiple submitters, no conflicts (2 of 4 stars). 2 submissions from 2 submitters: Uncertain significance (2). Last evaluated 2024-09-27.

Conditions:
Inborn genetic diseases. Identifiers: MedGen C0950123, MeSH D030342.

Allele frequency attached by ClinVar (database versions not stated): ExAC 0.00001; gnomAD 0.00002; TOPMed 0.00002.

Submissions (2):

Labcorp Genetics (formerly Invitae), Labcorp
Classification: Uncertain significance. Last evaluated: 2024-09-27. Review status: criteria provided, single submitter. Criteria: Invitae Variant Classification Sherloc (09022015). Collection method: clinical testing. Allele origin: germline.
Comment: This sequence change replaces methionine, which is neutral and non-polar, with isoleucine, which is neutral and non-polar, at codon 155 of the VPS33B protein (p.Met155Ile). This variant is present in population databases (rs755115970, gnomAD 0.008%). This variant has not been reported in the literature in individuals affected with VPS33B-related conditions. ClinVar contains an entry for this variant (Variation ID: 2241666). Invitae Evidence Modeling of protein sequence and biophysical properties (such as structural, functional, and spatial information, amino acid conservation, physicochemical variation, residue mobility, and thermodynamic stability) indicates that this missense variant is not expected to disrupt VPS33B protein function with a negative predictive value of 80%. Algorithms developed to predict the effect of sequence changes on RNA splicing suggest that this variant may disrupt the consensus splice site. In summary, the available evidence is currently insufficient to determine the role of this variant in disease. Therefore, it has been classified as a Variant of Uncertain Significance.

Ambry Genetics
Classification: Uncertain significance for Inborn genetic diseases. Last evaluated: 2021-08-09. Review status: criteria provided, single submitter. Criteria: Ambry Variant Classification Scheme 2023. Collection method: clinical testing. Allele origin: germline.

NM_018668.5(VPS33B):c.465G>A (p.Met155Ile)

Gene: VPS33B (VPS33B late endosome and lysosome associated; minus strand). Cytogenetic location: 15q26.1.
Variant type: single nucleotide variant.
Coding change: c.465G>A on transcript NM_018668.5 (MANE Select); coding-DNA position 465, G replaced by A.
Protein change: p.Met155Ile; replaces methionine 155 with isoleucine.
Molecular consequence: missense variant.
Genome position (GRCh38, 1-based): chr15:91,007,903, C>T on the plus strand (G>A on the coding strand, the complement: VPS33B is on the minus strand). VCF-style: chr15-91007903-C-T. GRCh37 (hg19) VCF-style: chr15-91551133-C-T.
Other names: c.384G>A, p.Met128Ile (NM_001289148.1); c.192G>A, p.Met64Ile (NM_001289149.1); short protein forms M64I, M128I, M155I.
Identifiers: ClinVar variation 2241666 (VCV002241666.4), dbSNP rs755115970, ClinGen allele CA7745055.